The following is an entry in ClinVar:

ClinVar aggregate classification (germline): Uncertain significance (1 of 4 stars; one submission).

Allele frequency attached by ClinVar (database versions not stated): ExAC 0.00001.
gnomAD v4.1: 4 of 1,614,152 alleles (0.00025%); highest among the groups gnomAD compares: Non-Finnish European, 0.00034%; no homozygotes.

Submission:

Labcorp Genetics (formerly Invitae), Labcorp
Classification: Uncertain significance. Last evaluated: 2025-10-13. Review status: criteria provided, single submitter. Criteria: Invitae Variant Classification Sherloc (09022015). Collection method: clinical testing. Allele origin: germline.
Comment: This sequence change replaces alanine, which is neutral and non-polar, with proline, which is neutral and non-polar, at codon 1288 of the LAMA1 protein (p.Ala1288Pro). This variant is present in population databases (rs779955450, gnomAD 0.0009%). This variant has not been reported in the literature in individuals affected with LAMA1-related conditions. ClinVar contains an entry for this variant (Variation ID: 2044447). Invitae Evidence Modeling of protein sequence and biophysical properties (such as structural, functional, and spatial information, amino acid conservation, physicochemical variation, residue mobility, and thermodynamic stability) indicates that this missense variant is not expected to disrupt LAMA1 protein function with a negative predictive value of 80%. In summary, the available evidence is currently insufficient to determine the role of this variant in disease. Therefore, it has been classified as a Variant of Uncertain Significance.

NM_005559.4(LAMA1):c.3862G>C (p.Ala1288Pro)

Gene: LAMA1 (laminin subunit alpha 1; minus strand). Cytogenetic location: 18p11.31.
Variant type: single nucleotide variant.
Coding change: c.3862G>C on transcript NM_005559.4 (MANE Select); coding-DNA position 3862, G replaced by C.
Protein change: p.Ala1288Pro; replaces alanine 1288 with proline.
Molecular consequence: missense variant.
Genome position (GRCh38, 1-based): chr18:7,010,211, C>G on the plus strand (G>C on the coding strand, the complement: LAMA1 is on the minus strand). VCF-style: chr18-7010211-C-G. GRCh37 (hg19) VCF-style: chr18-7010210-C-G.
Other names: short protein forms A1288P.
Identifiers: ClinVar variation 2044447 (VCV002044447.3), dbSNP rs779955450, ClinGen allele CA8882128.